The following is an entry in ClinVar:

NM_001267550.2(TTN):c.16058G>A (p.Arg5353Gln)

Gene: TTN (titin; minus strand). Cytogenetic location: 2q31.2.
Variant type: single nucleotide variant.
Coding change: c.16058G>A on transcript NM_001267550.2 (MANE Select); coding-DNA position 16058, G replaced by A.
Protein change: p.Arg5353Gln; replaces arginine 5353 with glutamine.
Molecular consequence: missense variant. On other transcripts: intron variant (3).
Genome position (GRCh38, 1-based): chr2:178,733,118, C>T on the plus strand (G>A on the coding strand, the complement: TTN is on the minus strand). VCF-style: chr2-178733118-C-T. GRCh37 (hg19) VCF-style: chr2-179597845-C-T.
Other names: c.15107G>A, p.Arg5036Gln (NM_001256850.1); c.12326G>A, p.Arg4109Gln (NM_133378.4); c.13282+4964G>A (NM_003319.4); c.13858+4964G>A (NM_133437.4); c.13657+4964G>A (NM_133432.3); short protein forms R5353Q, R5036Q, R4109Q.
Identifiers: ClinVar variation 535676 (VCV000535676.4), dbSNP rs751653047, ClinGen allele CA2002097.
Genomic context (GRCh38, chr2:178,733,118, plus strand): 5'-GTACCATTAACAACACTATCCACGTTGCGCAAGGGTTTGGTAAAAAATGGAGCAATGTCT[C>T]GATCTGTGTGTTGCACAAGAAGGGAGAAAAGGTCAATATAGAAGAGTGCTCAGTGATTGA-3'
Protein context (NP_001254479.2, residues 5343-5363): SCETTFTVLD[Arg5353Gln]DIAPFFTKPL

ClinVar aggregate classification (germline): Uncertain significance. Review status: criteria provided, multiple submitters, no conflicts (2 of 4 stars). 2 submissions from 2 submitters: Uncertain significance (2). Last evaluated 2024-04-29.

Conditions:
Autosomal recessive limb-girdle muscular dystrophy type 2J (LGMDR10). Also called: Limb-girdle muscular dystrophy, type 2J; MUSCULAR DYSTROPHY, LIMB-GIRDLE, AUTOSOMAL RECESSIVE 10. Identifiers: Orphanet 140922, MedGen C1837342, MONDO:0012127, OMIM 608807.
Dilated cardiomyopathy 1G (CMD1G). Identifiers: Orphanet 154, MedGen C1858763, MONDO:0011400, OMIM 604145.

Allele frequency attached by ClinVar (database versions not stated): ExAC 0.00001; gnomAD 0.00001; gnomAD exomes 0.00001; TOPMed 0.00001.

Submissions (2):

Women's Health and Genetics/Laboratory Corporation of America, LabCorp
Classification: Uncertain significance. Last evaluated: 2024-04-29. Review status: criteria provided, single submitter. Criteria: LabCorp Variant Classification Summary - May 2015. Collection method: clinical testing. Allele origin: germline.
Comment: Variant summary: TTN c.12326G>A (p.Arg4109Gln) results in a conservative amino acid change located in the I-band region of the encoded protein sequence. Three of five in-silico tools predict a damaging effect of the variant on protein function. The variant allele was found at a frequency of 8.8e-06 in 226830 control chromosomes. The available data on variant occurrences in the general population are insufficient to allow any conclusion about variant significance. To our knowledge, no occurrence of c.12326G>A in individuals affected with Limb-Girdle Muscular Dystrophy, Type 2J and no experimental evidence demonstrating its impact on protein function have been reported. ClinVar contains an entry for this variant (Variation ID: 535676). Based on the evidence outlined above, the variant was classified as uncertain significance.

Labcorp Genetics (formerly Invitae), Labcorp
Classification: Uncertain significance for Dilated cardiomyopathy 1G; Autosomal recessive limb-girdle muscular dystrophy type 2J. Last evaluated: 2017-11-17. Review status: criteria provided, single submitter. Criteria: Invitae Variant Classification Sherloc (09022015). Collection method: clinical testing. Allele origin: germline.